The following is an entry in ClinVar:

ClinVar aggregate classification (germline): Uncertain significance. Review status: criteria provided, multiple submitters, no conflicts (2 of 4 stars). 4 submissions from 4 submitters: Uncertain significance (4). Last evaluated 2026-01-02.

Conditions:
NLRP3-related disorder. Also called: NLRP3-related condition; NLRP3-Related Disorders.
Hearing loss, autosomal dominant 34, with or without inflammation. Also called: DEAFNESS, AUTOSOMAL DOMINANT 34, WITH OR WITHOUT INFLAMMATION. Identifiers: MedGen C4521680, MONDO:0033261, OMIM 617772.
Familial cold autoinflammatory syndrome 1 (FCAS1). Also called: Familial cold inflammatory syndrome 1; CRYOPYRIN-ASSOCIATED PERIODIC SYNDROME 1. Identifiers: Orphanet 47045, MedGen C4551895, MONDO:0007349, OMIM 120100.
Familial amyloid nephropathy with urticaria AND deafness (MWS). Also called: MUCKLE-WELLS SYNDROME; Urticaria, deafness and amyloidosis; UDA SYNDROME; URTICARIA-DEAFNESS-AMYLOIDOSIS SYNDROME; CRYOPYRIN-ASSOCIATED PERIODIC SYNDROME 2. Identifiers: Orphanet 575, MedGen C0268390, MONDO:0008633, OMIM 191900.
Chronic infantile neurological, cutaneous and articular syndrome (CINCA). Also called: Prieur Griscelli syndrome; CHRONIC NEUROLOGIC CUTANEOUS AND ARTICULAR SYNDROME; CINCA syndrome; CRYOPYRIN-ASSOCIATED PERIODIC SYNDROME 3. Identifiers: Orphanet 1451, MedGen C0409818, MONDO:0011776, OMIM 607115.
Keratitis fugax hereditaria. Also called: KERATOENDOTHELIITIS FUGAX HEREDITARIA. Identifiers: Orphanet 647815, MedGen C1835697, MONDO:0007849, OMIM 148200.
Cryopyrin associated periodic syndrome (CAPS). Identifiers: Orphanet 208650, MedGen C2316212, MONDO:0016168.

Allele frequency attached by ClinVar (database versions not stated): TOPMed below 0.00001; gnomAD exomes 0.00001.

Submissions (4):

PreventionGenetics, part of Exact Sciences
Classification: Uncertain significance for NLRP3-related condition. Last evaluated: 2026-01-02. Review status: criteria provided, single submitter. Criteria: ACMG Guidelines, 2015. Collection method: clinical testing. Allele origin: germline.
Comment: The NLRP3 c.2336G>A variant is predicted to result in the amino acid substitution p.Arg779His. To our knowledge, this variant has not been reported in the literature or in a large population database (gnomAD), indicating this variant is rare. At this time, the clinical significance of this variant is uncertain due to the absence of conclusive functional and genetic evidence.

Labcorp Genetics (formerly Invitae), Labcorp
Classification: Uncertain significance for Cryopyrin associated periodic syndrome. Last evaluated: 2025-07-30. Review status: criteria provided, single submitter. Criteria: Invitae Variant Classification Sherloc (09022015). Collection method: clinical testing. Allele origin: germline.
Comment: This sequence change replaces arginine, which is basic and polar, with histidine, which is basic and polar, at codon 779 of the NLRP3 protein (p.Arg779His). This variant is not present in population databases (gnomAD no frequency). This variant has not been reported in the literature in individuals affected with NLRP3-related conditions. ClinVar contains an entry for this variant (Variation ID: 1467929). Invitae Evidence Modeling of protein sequence and biophysical properties (such as structural, functional, and spatial information, amino acid conservation, physicochemical variation, residue mobility, and thermodynamic stability) indicates that this missense variant is not expected to disrupt NLRP3 protein function with a negative predictive value of 95%. In summary, the available evidence is currently insufficient to determine the role of this variant in disease. Therefore, it has been classified as a Variant of Uncertain Significance.

GeneDx
Classification: Uncertain significance. Last evaluated: 2022-07-15. Review status: criteria provided, single submitter. Criteria: GeneDx Variant Classification Process June 2021. Collection method: clinical testing. Allele origin: germline. Affected: yes.
Comment: Not observed at significant frequency in large population cohorts (gnomAD); In silico analysis supports that this missense variant does not alter protein structure/function; Has not been previously published as pathogenic or benign to our knowledge; This variant is associated with the following publications: (PMID: 31408184)

Fulgent Genetics
Classification: Uncertain significance for Familial cold autoinflammatory syndrome 1; Keratitis fugax hereditaria; Familial amyloid nephropathy with urticaria AND deafness; Chronic infantile neurological, cutaneous and articular syndrome; Hearing loss, autosomal dominant 34, with or without inflammation. Last evaluated: 2021-10-11. Review status: criteria provided, single submitter. Criteria: ACMG Guidelines, 2015. Collection method: clinical testing. Allele origin: unknown.

NM_001243133.2(NLRP3):c.2330G>A (p.Arg777His)

Gene: NLRP3 (NLR family pyrin domain containing 3; plus strand). Cytogenetic location: 1q44.
Variant type: single nucleotide variant.
Coding change: c.2330G>A on transcript NM_001243133.2 (MANE Select); coding-DNA position 2330, G replaced by A.
Protein change: p.Arg777His; replaces arginine 777 with histidine.
Molecular consequence: missense variant.
Genome position (GRCh38, 1-based): chr1:247,434,111, G>A. VCF-style: chr1-247434111-G-A. GRCh37 (hg19) VCF-style: chr1-247597413-G-A.
Other names: c.2330G>A, p.Arg777His (NM_001079821.3, NM_001127461.3); c.2159G>A, p.Arg720His (NM_001127462.3, NM_183395.3); c.2336G>A, p.Arg779His (NM_004895.5); short protein forms R777H, R779H, R720H.
Identifiers: ClinVar variation 1467929 (VCV001467929.10), dbSNP rs1663599540, ClinGen allele CA345560850.